The following is an entry in ClinVar:

NC_000023.11:g.31762447_31872385del

Genes: DMD (dystrophin; minus strand), LOC129391296 (MPRA-validated peak7373 silencer; plus strand). Cytogenetic location: Xp21.1.
Variant type: Deletion.
Identifiers: ClinVar variation 2500732 (VCV002500732.1).

ClinVar aggregate classification (germline): Pathogenic (1 of 4 stars; one submission).

Conditions:
Duchenne muscular dystrophy (DMD). Also called: Duchenne Muscular Dystrophy (DMD); MUSCULAR DYSTROPHY, PSEUDOHYPERTROPHIC PROGRESSIVE, DUCHENNE TYPE. Identifiers: Orphanet 98896, MedGen C0013264, MONDO:0010679, OMIM 310200.

Submission:

Victorian Clinical Genetics Services, Murdoch Childrens Research Institute
Classification: Pathogenic for Duchenne muscular dystrophy. Review status: criteria provided, single submitter. Criteria: ACMG Guidelines, 2015. Collection method: clinical testing. Allele origin: paternal. Affected: yes.
Comment: - This intragenic copy number variant (CNV) results in an in-frame deletion of exons 49 to 51 (of 79) and is predicted to cause loss of function of the protein. - Other in-frame CNVs comparable to the one identified in this case have very strong previous evidence for pathogenicity in patients with DMD, BMD and DCM (ClinVar). - This variant has strong previous evidence of pathogenicity in unrelated individuals. This variant has been reported as pathogenic (LOVD, ClinVar), and has been described in multiple individuals with BMD, DMD and DCM (PMID: 29604111, PMID: 20036901, PMID: 33238405, PMID: 31661024, PMID: 9470882, PMID: 21515508). Additional information: - Loss of function is a known mechanism of disease in this gene and is associated with Becker muscular dystrophy (BMD) (MIM#300376), Duchenne muscular dystrophy (DMD) (MIM#310200) and dilated cardiomyopathy 3B (DCM) (MIM#302045). - This gene is associated with both X-linked recessive and dominant disease. This gene is primarily associated with X-linked recessive disease relating to the muscular dystrophy phenotypes but is also reported to be associated with X-linked dominant dilated cardiomypathy (OMIM, PMID: 26066469). - This variant is heterozygous. - Variant is absent from gnomAD (SV v2.1).